The following is an entry in ClinVar:

ClinVar aggregate classification (germline): Pathogenic (1 of 4 stars; one submission).

Conditions:
Neurodevelopmental disorder with seizures and gingival overgrowth. Identifiers: MedGen C5543395, MONDO:0859148, OMIM 619323.

Submission:

Women's Health and Genetics/Laboratory Corporation of America, LabCorp
Classification: Pathogenic for Neurodevelopmental disorder with seizures and gingival overgrowth. Last evaluated: 2024-11-13. Review status: criteria provided, single submitter. Criteria: LabCorp Variant Classification Summary - May 2015. Collection method: clinical testing. Allele origin: germline.
Comment: Variant summary: TBC1D2B c.58C>T (p.Gln20X) results in a premature termination codon, predicted to cause a truncation of the encoded protein or absence of the protein due to nonsense mediated decay, which are commonly known mechanisms for disease. The variant was absent in 1904 control chromosomes. To our knowledge, no occurrence of c.58C>T in individuals affected with Neurodevelopmental Disorder With Seizures And Gingival Overgrowth and no experimental evidence demonstrating its impact on protein function have been reported. No submitters have cited clinical-significance assessments for this variant to ClinVar. Based on the evidence outlined above, the variant was classified as pathogenic.

NM_144572.2(TBC1D2B):c.58C>T (p.Gln20Ter)

Genes: TBC1D2B (TBC1 domain family member 2B; minus strand), LOC130057679 (ATAC-STARR-seq lymphoblastoid silent region 6703; plus strand). Cytogenetic location: 15q25.1.
Variant type: single nucleotide variant.
Coding change: c.58C>T on transcript NM_144572.2 (MANE Select); coding-DNA position 58, C replaced by T.
Protein change: p.Gln20Ter; replaces glutamine 20 with a stop codon.
Molecular consequence: nonsense.
Genome position (GRCh38, 1-based): chr15:78,077,595, G>A on the plus strand (C>T on the coding strand, the complement: TBC1D2B is on the minus strand). VCF-style: chr15-78077595-G-A. GRCh37 (hg19) VCF-style: chr15-78369937-G-A.
Other names: c.58C>T, p.Gln20Ter (NM_001387142.1, NM_001387143.1, NM_001387144.1 and 1 more transcripts); short protein forms Q20*.
Identifiers: ClinVar variation 3629675 (VCV003629675.1).
Genomic context (GRCh38, chr15:78,077,595, plus strand): 5'-AGCCACACAGCCGCGCTGGCTCCCGCGCCGGACCCGCCCCGGGCTCCGCGGCCGCCCCCT[G>A]CGCCGCGCCCTCGCCGCCGCCGCCGCCCTCCTCCGCCCGGGCTCCGGCCCCCGGCATCGC-3'